The following is an entry in ClinVar:

NM_000032.5(ALAS2):c.1685T>C (p.Val562Ala)

Gene: ALAS2 (5'-aminolevulinate synthase 2; minus strand). Cytogenetic location: Xp11.21.
Variant type: single nucleotide variant.
Coding change: c.1685T>C on transcript NM_000032.5 (MANE Select); coding-DNA position 1685, T replaced by C.
Protein change: p.Val562Ala; replaces valine 562 with alanine.
Molecular consequence: missense variant.
Genome position (GRCh38, 1-based): chrX:55,009,259, A>G on the plus strand (T>C on the coding strand, the complement: ALAS2 is on the minus strand). VCF-style: chrX-55009259-A-G. GRCh37 (hg19) VCF-style: chrX-55035692-A-G.
Other names: c.1646T>C, p.Val549Ala (NM_001037968.4); c.1574T>C, p.Val525Ala (NM_001037967.4); short protein forms V562A, V525A, V549A.
Identifiers: ClinVar variation 2737235 (VCV002737235.4), dbSNP rs2519570750, ClinGen allele CA413290387.

ClinVar aggregate classification (germline): Uncertain significance. Review status: criteria provided, multiple submitters, no conflicts (2 of 4 stars). 2 submissions from 2 submitters: Uncertain significance (2). Last evaluated 2024-06-10.

Submissions (2):

Revvity Omics, Revvity
Classification: Uncertain significance. Last evaluated: 2024-06-10. Review status: criteria provided, single submitter. Criteria: ACMG Guidelines, 2015. Collection method: clinical testing. Allele origin: germline.

Labcorp Genetics (formerly Invitae), Labcorp
Classification: Uncertain significance. Last evaluated: 2023-09-05. Review status: criteria provided, single submitter. Criteria: Invitae Variant Classification Sherloc (09022015). Collection method: clinical testing. Allele origin: germline.
Comment: This missense change has been observed in individual(s) with microcytic anemia (PMID: 22269113). In summary, the available evidence is currently insufficient to determine the role of this variant in disease. Therefore, it has been classified as a Variant of Uncertain Significance. Experimental studies are conflicting or provide insufficient evidence to determine the effect of this variant on ALAS2 function (PMID: 22269113). Advanced modeling of protein sequence and biophysical properties (such as structural, functional, and spatial information, amino acid conservation, physicochemical variation, residue mobility, and thermodynamic stability) has been performed at Invitae for this missense variant, however the output from this modeling did not meet the statistical confidence thresholds required to predict the impact of this variant on ALAS2 protein function. This variant is not present in population databases (gnomAD no frequency). This sequence change replaces valine, which is neutral and non-polar, with alanine, which is neutral and non-polar, at codon 562 of the ALAS2 protein (p.Val562Ala).

Literature cited by the submitters: PubMed 22269113 (cited by Labcorp Genetics (formerly Invitae), Labcorp).